The following is an entry in ClinVar:

ClinVar aggregate classification (germline): Benign (0 of 4 stars; one submission).

Conditions:
ZFHX3-related disorder. Also called: ZFHX3-related condition.

Allele frequency attached by ClinVar (database versions not stated): ESP Exome Variant Server 0.00008; gnomAD exomes 0.00126; gnomAD 0.00249; TOPMed 0.00434; ExAC 0.00538; 1000 Genomes Project 0.00739; 1000 Genomes Project 30x 0.00750.
gnomAD v4.1: 2,179 of 1,594,126 alleles (0.14%); highest among the groups gnomAD compares: Admixed American, 3.5%; 47 homozygotes.

Submission:

PreventionGenetics, part of Exact Sciences
Classification: Benign for ZFHX3-related condition. Last evaluated: 2020-01-03. Review status: no assertion criteria provided. Collection method: clinical testing. Allele origin: germline.
Comment: This variant is classified as benign based on ACMG/AMP sequence variant interpretation guidelines (Richards et al. 2015 PMID: 25741868, with internal and published modifications).

NM_006885.4(ZFHX3):c.320C>T (p.Pro107Leu)

Gene: ZFHX3 (zinc finger homeobox 3; minus strand). Cytogenetic location: 16q22.3.
Variant type: single nucleotide variant.
Coding change: c.320C>T on transcript NM_006885.4 (MANE Select); coding-DNA position 320, C replaced by T.
Protein change: p.Pro107Leu; replaces proline 107 with leucine.
Molecular consequence: missense variant. On other transcripts: intron variant (1).
Genome position (GRCh38, 1-based): chr16:72,959,826, G>A on the plus strand (C>T on the coding strand, the complement: ZFHX3 is on the minus strand). VCF-style: chr16-72959826-G-A. GRCh37 (hg19) VCF-style: chr16-72993725-G-A.
Other names: c.320C>T, p.Pro107Leu (NM_001386735.1); c.-23-8861C>T (NM_001164766.2); short protein forms P107L.
Identifiers: ClinVar variation 3056006 (VCV003056006.2), dbSNP rs145239736, ClinGen allele CA8165026.